The following is an entry in ClinVar:

NM_138713.4(NFAT5):c.3809A>G (p.Gln1270Arg)

Gene: NFAT5 (nuclear factor of activated T cells 5; plus strand). Cytogenetic location: 16q22.1.
Variant type: single nucleotide variant.
Coding change: c.3809A>G on transcript NM_138713.4 (MANE Select); coding-DNA position 3809, A replaced by G.
Protein change: p.Gln1270Arg; replaces glutamine 1270 with arginine.
Molecular consequence: missense variant.
Genome position (GRCh38, 1-based): chr16:69,693,634, A>G. VCF-style: chr16-69693634-A-G. GRCh37 (hg19) VCF-style: chr16-69727537-A-G.
Other names: c.3806A>G, p.Gln1269Arg (NM_001113178.3); c.3134A>G, p.Gln1045Arg (NM_001367709.1); c.3755A>G, p.Gln1252Arg (NM_006599.4); c.3527A>G, p.Gln1176Arg (NM_138714.4, NM_173214.3, NM_173215.3); short protein forms Q1269R, Q1270R, Q1252R, Q1045R, Q1176R.
Identifiers: ClinVar variation 2989697 (VCV002989697.3), dbSNP rs368723927, ClinGen allele CA8135959.
Genomic context (GRCh38, chr16:69,693,634, plus strand): 5'-TCCAGTCACAGCACTCAATAGTTGCCATGCAGAGTAACTCTCCATCCCAGGAACAGCAGC[A>G]GCAGCAGCAACAGCAGCAGCAACAGCAGCAGCAACAACAACAGAGCATTTTATTCAGTAA-3'
Protein context (NP_619727.2, residues 1260-1280): QSNSPSQEQQ[Gln1270Arg]QQQQQQQQQQ

ClinVar aggregate classification (germline): Uncertain significance (1 of 4 stars; one submission).

Conditions:
Immunodeficiency. Identifiers: MedGen C0021051, MONDO:0021094, HP:0002721.

Allele frequency attached by ClinVar (database versions not stated): gnomAD 0.00003; TOPMed 0.00002; gnomAD exomes 0.00006; ExAC 0.00002; ESP Exome Variant Server 0.00008.
gnomAD v4.1: 86 of 1,612,980 alleles (0.0053%); highest among the groups gnomAD compares: Non-Finnish European, 0.0069%; no homozygotes.

Submission:

Labcorp Genetics (formerly Invitae), Labcorp
Classification: Uncertain significance for Immunodeficiency. Last evaluated: 2025-09-28. Review status: criteria provided, single submitter. Criteria: Invitae Variant Classification Sherloc (09022015). Collection method: clinical testing. Allele origin: germline.
Comment: This sequence change replaces glutamine, which is neutral and polar, with arginine, which is basic and polar, at codon 1176 of the NFAT5 protein (p.Gln1176Arg). The frequency data for this variant in the population databases is considered unreliable, as metrics indicate poor data quality at this position in the gnomAD database. This variant has not been reported in the literature in individuals affected with NFAT5-related conditions. ClinVar contains an entry for this variant (Variation ID: 2989697). An algorithm developed to predict the effect of missense changes on protein structure and function (PolyPhen-2) suggests that this variant is likely to be tolerated. In summary, the available evidence is currently insufficient to determine the role of this variant in disease. Therefore, it has been classified as a Variant of Uncertain Significance.